The following is an entry in ClinVar:

NM_001082486.2(ACD):c.950C>A (p.Pro317Gln)

Gene: ACD (ACD shelterin complex subunit and telomerase recruitment factor; minus strand). Cytogenetic location: 16q22.1.
Variant type: single nucleotide variant.
Coding change: c.950C>A on transcript NM_001082486.2 (MANE Select); coding-DNA position 950, C replaced by A.
Protein change: p.Pro317Gln; replaces proline 317 with glutamine.
Molecular consequence: missense variant.
Genome position (GRCh38, 1-based): chr16:67,658,242, G>T on the plus strand (C>A on the coding strand, the complement: ACD is on the minus strand). VCF-style: chr16-67658242-G-T. GRCh37 (hg19) VCF-style: chr16-67692145-G-T.
Other names: c.863C>A, p.Pro288Gln (NM_001410884.1); c.941C>A, p.Pro314Gln (NM_022914.3); short protein forms P314Q, P317Q, P288Q.
Identifiers: ClinVar variation 1749250 (VCV001749250.2), dbSNP rs1006777863, ClinGen allele CA396352688.

ClinVar aggregate classification (germline): Uncertain significance (1 of 4 stars; one submission).

Conditions:
Inborn genetic diseases. Identifiers: MedGen C0950123, MeSH D030342.

Submission:

Ambry Genetics
Classification: Uncertain significance for Inborn genetic diseases. Last evaluated: 2022-07-02. Review status: criteria provided, single submitter. Criteria: Ambry Variant Classification Scheme 2023. Collection method: clinical testing. Allele origin: germline.
Comment: The p.P403Q variant (also known as c.1208C>A), located in coding exon 10 of the ACD gene, results from a C to A substitution at nucleotide position 1208. The proline at codon 403 is replaced by glutamine, an amino acid with similar properties. This amino acid position is conserved. In addition, this alteration is predicted to be tolerated by in silico analysis. Since supporting evidence is limited at this time, the clinical significance of this alteration remains unclear.